The following is an entry in ClinVar:

ClinVar aggregate classification (germline): Uncertain significance. Review status: criteria provided, multiple submitters, no conflicts (2 of 4 stars). 2 submissions from 2 submitters: Uncertain significance (2). Last evaluated 2026-01-17.

Conditions:
Neuroblastoma, susceptibility to, 3. Also called: ALK-Related Neuroblastic Tumor Susceptibility. Identifiers: Orphanet 635, MedGen C2751681, MONDO:0013083, OMIM 613014.
Hereditary cancer-predisposing syndrome. Also called: Hereditary Cancer Syndrome; Hereditary neoplastic syndrome; Neoplastic Syndromes, Hereditary; Tumor predisposition. Identifiers: Orphanet 140162, MedGen C0027672, MeSH D009386, MONDO:0015356.

Submissions (2):

Labcorp Genetics (formerly Invitae), Labcorp
Classification: Uncertain significance for Neuroblastoma, susceptibility to, 3. Last evaluated: 2026-01-17. Review status: criteria provided, single submitter. Criteria: Invitae Variant Classification Sherloc (09022015). Collection method: clinical testing. Allele origin: germline.
Comment: This sequence change replaces isoleucine, which is neutral and non-polar, with valine, which is neutral and non-polar, at codon 1379 of the ALK protein (p.Ile1379Val). This variant is not present in population databases (gnomAD no frequency). This variant has not been reported in the literature in individuals affected with ALK-related conditions. ClinVar contains an entry for this variant (Variation ID: 3524455). An algorithm developed to predict the effect of missense changes on protein structure and function (PolyPhen-2) suggests that this variant is likely to be tolerated. In summary, the available evidence is currently insufficient to determine the role of this variant in disease. Therefore, it has been classified as a Variant of Uncertain Significance.

Ambry Genetics
Classification: Uncertain significance for Hereditary cancer-predisposing syndrome. Last evaluated: 2024-08-27. Review status: criteria provided, single submitter. Criteria: Ambry Variant Classification Scheme 2023. Collection method: clinical testing. Allele origin: germline.
Comment: The p.I1379V variant (also known as c.4135A>G), located in coding exon 28 of the ALK gene, results from an A to G substitution at nucleotide position 4135. The isoleucine at codon 1379 is replaced by valine, an amino acid with highly similar properties. This amino acid position is conserved. In addition, the in silico prediction for this alteration is inconclusive. Based on the available evidence, the clinical significance of this variant remains unclear.

NM_004304.5(ALK):c.4135A>G (p.Ile1379Val)

Gene: ALK (ALK receptor tyrosine kinase; minus strand). Cytogenetic location: 2p23.2.
Variant type: single nucleotide variant.
Coding change: c.4135A>G on transcript NM_004304.5 (MANE Select); coding-DNA position 4135, A replaced by G.
Protein change: p.Ile1379Val; replaces isoleucine 1379 with valine.
Molecular consequence: missense variant.
Genome position (GRCh38, 1-based): chr2:29,196,799, T>C on the plus strand (A>G on the coding strand, the complement: ALK is on the minus strand). VCF-style: chr2-29196799-T-C. GRCh37 (hg19) VCF-style: chr2-29419665-T-C.
Other names: c.931A>G, p.Ile311Val (NM_001353765.2); short protein forms I1379V, I311V.
Identifiers: ClinVar variation 3524455 (VCV003524455.2).